The following is an entry in ClinVar:

NM_006180.6(NTRK2):c.728C>T (p.Thr243Ile)

Gene: NTRK2 (neurotrophic receptor tyrosine kinase 2; plus strand). Cytogenetic location: 9q21.33.
Variant type: single nucleotide variant.
Coding change: c.728C>T on transcript NM_006180.6 (MANE Select); coding-DNA position 728, C replaced by T.
Protein change: p.Thr243Ile; replaces threonine 243 with isoleucine.
Molecular consequence: missense variant.
Genome position (GRCh38, 1-based): chr9:84,724,231, C>T. VCF-style: chr9-84724231-C-T. GRCh37 (hg19) VCF-style: chr9-87339146-C-T.
Other names: c.728C>T, p.Thr243Ile (NM_001369532.1, NM_001369533.1, NM_001369534.1 and 19 more transcripts); c.260C>T, p.Thr87Ile (NM_001369535.1, NM_001369536.1, NM_001369551.1 and 2 more transcripts); short protein forms T243I, T87I.
Identifiers: ClinVar variation 2777790 (VCV002777790.3), dbSNP rs78101850, ClinGen allele CA195747740.

ClinVar aggregate classification (germline): Uncertain significance (1 of 4 stars; one submission).

Allele frequency attached by ClinVar (database versions not stated): gnomAD 0.00001; TOPMed 0.00002.
gnomAD v4.1: 1 of 1,613,906 alleles (0.000062%); highest among the groups gnomAD compares: African/African-American, 0.0013%; no homozygotes.

Submission:

Labcorp Genetics (formerly Invitae), Labcorp
Classification: Uncertain significance. Last evaluated: 2024-01-06. Review status: criteria provided, single submitter. Criteria: Invitae Variant Classification Sherloc (09022015). Collection method: clinical testing. Allele origin: germline.
Comment: This sequence change replaces threonine, which is neutral and polar, with isoleucine, which is neutral and non-polar, at codon 243 of the NTRK2 protein (p.Thr243Ile). This variant is present in population databases (no rsID available, gnomAD 0.007%). This variant has not been reported in the literature in individuals affected with NTRK2-related conditions. Advanced modeling of protein sequence and biophysical properties (such as structural, functional, and spatial information, amino acid conservation, physicochemical variation, residue mobility, and thermodynamic stability) performed at Invitae indicates that this missense variant is not expected to disrupt NTRK2 protein function with a negative predictive value of 80%. In summary, the available evidence is currently insufficient to determine the role of this variant in disease. Therefore, it has been classified as a Variant of Uncertain Significance.